The following is an entry in ClinVar:

NM_000238.4(KCNH2):c.707G>T (p.Gly236Val)

Gene: KCNH2 (potassium voltage-gated channel subfamily H member 2; minus strand). Cytogenetic location: 7q36.1.
Variant type: single nucleotide variant.
Coding change: c.707G>T on transcript NM_000238.4 (MANE Select); coding-DNA position 707, G replaced by T.
Protein change: p.Gly236Val; replaces glycine 236 with valine.
Molecular consequence: missense variant.
Genome position (GRCh38, 1-based): chr7:150,958,268, C>A on the plus strand (G>T on the coding strand, the complement: KCNH2 is on the minus strand). VCF-style: chr7-150958268-C-A. GRCh37 (hg19) VCF-style: chr7-150655356-C-A.
Other names: p.G236V:GGT>GTT; c.707G>T (LRG_288t1); c.419G>T, p.Gly140Val (NM_001406753.1, NM_001406756.1); c.530G>T, p.Gly177Val (NM_001406755.1); c.407G>T, p.Gly136Val (NM_001406757.1); c.707G>T, p.Gly236Val (NM_172056.3); short protein forms G236V, G136V, G140V, G177V.
Identifiers: ClinVar variation 67518 (VCV000067518.16), dbSNP rs199472870, ClinGen allele CA008689.
Genomic context (GRCh38, chr7:150,958,268, plus strand): 5'-AGGCTGTGCGCCCGGGGCGATGGGAGCTGGCCGGGCGCGCTGCGGGGCGGAGAGCCGGGA[C>A]CCACCAGCGCACGCCGCTCCTCCGCGGGCCCGAGCCCTGCCACGTGGTTGTCCATGGCTG-3'
Protein context (NP_000229.1, residues 226-246): GPAEERRALV[Gly236Val]PGSPPRSAPG

ClinVar aggregate classification (germline): Uncertain significance. Review status: criteria provided, multiple submitters, no conflicts (2 of 4 stars). 5 submissions from 5 submitters: Uncertain significance (4). 1 of the submissions does not count toward it. Last evaluated 2026-01-13.

Conditions:
Cardiovascular phenotype. Identifiers: MedGen CN230736.
Long QT syndrome 2 (LQT2). Identifiers: Orphanet 101016, Orphanet 768, MedGen C3150943, MONDO:0013367, OMIM 613688.
Short QT syndrome type 1. Identifiers: Orphanet 51083, MedGen C1865020, MONDO:0012312, OMIM 609620.
Long QT syndrome (LQTS). Identifiers: MedGen C0023976, MeSH D008133, MONDO:0002442. Disease mechanism: loss of function. Inheritance: Various modes of inheritance.

Allele frequency attached by ClinVar (database versions not stated): ExAC below 0.00001; gnomAD exomes 0.00001; TOPMed 0.00020; gnomAD 0.00022 and 0.00023.
gnomAD v4.1: 49 of 1,447,338 alleles (0.0034%); highest among the groups gnomAD compares: African/African-American, 0.065%; no homozygotes.

Submissions (5):

Labcorp Genetics (formerly Invitae), Labcorp
Classification: Uncertain significance for Long QT syndrome. Last evaluated: 2026-01-13. Review status: criteria provided, single submitter. Criteria: Invitae Variant Classification Sherloc (09022015). Collection method: clinical testing. Allele origin: germline.
Comment: This sequence change replaces glycine, which is neutral and non-polar, with valine, which is neutral and non-polar, at codon 236 of the KCNH2 protein (p.Gly236Val). The frequency data for this variant in the population databases is considered unreliable, as metrics indicate poor data quality at this position in the gnomAD database. This missense change has been observed in individual(s) with clinical features of KCNH2-related conditions (internal data). ClinVar contains an entry for this variant (Variation ID: 67518). An algorithm developed to predict the effect of missense changes on protein structure and function (PolyPhen-2) suggests that this variant is likely to be disruptive. In summary, the available evidence is currently insufficient to determine the role of this variant in disease. Therefore, it has been classified as a Variant of Uncertain Significance.

GeneDx
Classification: Uncertain significance. Last evaluated: 2023-06-05. Review status: criteria provided, single submitter. Criteria: GeneDx Variant Classification Process June 2021. Collection method: clinical testing. Allele origin: germline. Affected: yes.
Comment: Has not been reported in any individuals with arrhythmia, but identified in at least one individual in a control cohort (Kapa et al., 2009; Giudicessi et al., 2012).; In silico analysis supports that this missense variant has a deleterious effect on protein structure/function; This variant is associated with the following publications: (PMID: 25348405, 22581653, 22949429, 19841300)

Ambry Genetics
Classification: Uncertain significance for Cardiovascular phenotype. Last evaluated: 2021-12-06. Review status: criteria provided, single submitter. Criteria: Ambry Variant Classification Scheme 2023. Collection method: clinical testing. Allele origin: germline.

Fulgent Genetics
Classification: Uncertain significance for Short QT syndrome type 1; Long QT syndrome 2. Last evaluated: 2021-07-26. Review status: criteria provided, single submitter. Criteria: ACMG Guidelines, 2015. Collection method: clinical testing. Allele origin: unknown.

Cardiovascular Biomedical Research Unit, Royal Brompton & Harefield NHS Foundation Trust
No classification provided. Review status: no classification provided. Collection method: literature only. Allele origin: germline. Not counted in ClinVar's aggregate classification.
Comment: This variant has been reported in the following publications (PMID:19841300).

Literature cited by the submitters: PubMed 19841300 (cited by Cardiovascular Biomedical Research Unit, Royal Brompton & Harefield NHS Foundation Trust); PubMed 22581653 (cited by Cardiovascular Biomedical Research Unit, Royal Brompton & Harefield NHS Foundation Trust).